The following is an entry in ClinVar:

ClinVar aggregate classification (germline): Uncertain significance. Review status: criteria provided, multiple submitters, no conflicts (2 of 4 stars). 2 submissions from 2 submitters: Uncertain significance (2). Last evaluated 2022-02-22.

Allele frequency attached by ClinVar (database versions not stated): gnomAD exomes below 0.00001.
gnomAD v4.1: 1 of 1,613,662 alleles (0.000062%); highest among the groups gnomAD compares: Admixed American, 0.0017%; no homozygotes.

Submissions (2):

Labcorp Genetics (formerly Invitae), Labcorp
Classification: Uncertain significance. Last evaluated: 2022-02-22. Review status: criteria provided, single submitter. Criteria: Invitae Variant Classification Sherloc (09022015). Collection method: clinical testing. Allele origin: germline.
Comment: This sequence change replaces histidine, which is basic and polar, with tyrosine, which is neutral and polar, at codon 78 of the ALPL protein (p.His78Tyr). This variant is present in population databases (no rsID available, gnomAD 0.003%). This variant has not been reported in the literature in individuals affected with ALPL-related conditions. Advanced modeling of protein sequence and biophysical properties (such as structural, functional, and spatial information, amino acid conservation, physicochemical variation, residue mobility, and thermodynamic stability) performed at Invitae indicates that this missense variant is expected to disrupt ALPL protein function. In summary, the available evidence is currently insufficient to determine the role of this variant in disease. Therefore, it has been classified as a Variant of Uncertain Significance.

Blueprint Genetics
Classification: Uncertain significance. Last evaluated: 2021-08-30. Review status: criteria provided, single submitter. Criteria: ACMG Guidelines, 2015. Collection method: clinical testing. Allele origin: germline.

NM_000478.6(ALPL):c.232C>T (p.His78Tyr)

Gene: ALPL (alkaline phosphatase, biomineralization associated; plus strand). Cytogenetic location: 1p36.12.
Variant type: single nucleotide variant.
Coding change: c.232C>T on transcript NM_000478.6 (MANE Select); coding-DNA position 232, C replaced by T.
Protein change: p.His78Tyr; replaces histidine 78 with tyrosine.
Molecular consequence: missense variant. On other transcripts: intron variant (1).
Genome position (GRCh38, 1-based): chr1:21,561,147, C>T. VCF-style: chr1-21561147-C-T. GRCh37 (hg19) VCF-style: chr1-21887640-C-T.
Other names: c.67C>T, p.His23Tyr (NM_001127501.4); c.232C>T, p.His78Tyr (NM_001369803.2, NM_001369804.2, NM_001369805.2); c.66+402C>T (NM_001177520.3); short protein forms H23Y, H78Y.
Identifiers: ClinVar variation 2092929 (VCV002092929.2), dbSNP rs1279759337, ClinGen allele CA338878005.